The following is an entry in ClinVar:

NM_013266.4(CTNNA3):c.1525G>A (p.Val509Ile)

Gene: CTNNA3 (catenin alpha 3; minus strand). Cytogenetic location: 10q21.3.
Variant type: single nucleotide variant.
Coding change: c.1525G>A on transcript NM_013266.4 (MANE Select); coding-DNA position 1525, G replaced by A.
Protein change: p.Val509Ile; replaces valine 509 with isoleucine.
Molecular consequence: missense variant.
Genome position (GRCh38, 1-based): chr10:66,520,623, C>T on the plus strand (G>A on the coding strand, the complement: CTNNA3 is on the minus strand). VCF-style: chr10-66520623-C-T. GRCh37 (hg19) VCF-style: chr10-68280381-C-T.
Other names: c.1525G>A, p.Val509Ile (NM_001127384.3); c.1525G>A (NM_013266.2); short protein forms V509I.
Identifiers: ClinVar variation 2162599 (VCV002162599.5), dbSNP rs769200890, ClinGen allele CA377091198.

ClinVar aggregate classification (germline): Uncertain significance. Review status: criteria provided, multiple submitters, no conflicts (2 of 4 stars). 2 submissions from 2 submitters: Uncertain significance (2). Last evaluated 2026-04-23.

Conditions:
Arrhythmogenic right ventricular dysplasia 13. Also called: ARRHYTHMOGENIC RIGHT VENTRICULAR CARDIOMYOPATHY 13; Arrhythmogenic right ventricular dysplasia, familial, 13. Identifiers: MedGen C3810138, MONDO:0000908, OMIM 615616.

Allele frequency attached by ClinVar (database versions not stated): TOPMed below 0.00001.

Submissions (2):

Ambry Genetics
Classification: Uncertain significance. Last evaluated: 2026-04-23. Review status: criteria provided, single submitter. Criteria: Ambry Variant Classification Scheme 2023. Collection method: clinical testing. Allele origin: germline.
Comment: The p.V509I variant (also known as c.1525G>A), located in coding exon 10 of the CTNNA3 gene, results from a G to A substitution at nucleotide position 1525. The valine at codon 509 is replaced by isoleucine, an amino acid with highly similar properties. This amino acid position is conserved. In addition, this alteration is predicted to be tolerated by in silico analysis. Based on the available evidence, the clinical significance of this variant remains unclear.

Labcorp Genetics (formerly Invitae), Labcorp
Classification: Uncertain significance for Arrhythmogenic right ventricular dysplasia 13. Last evaluated: 2025-10-08. Review status: criteria provided, single submitter. Criteria: Invitae Variant Classification Sherloc (09022015). Collection method: clinical testing. Allele origin: germline.
Comment: This sequence change replaces valine, which is neutral and non-polar, with isoleucine, which is neutral and non-polar, at codon 509 of the CTNNA3 protein (p.Val509Ile). This variant is present in population databases (no rsID available, gnomAD 0.01%). This variant has not been reported in the literature in individuals affected with CTNNA3-related conditions. ClinVar contains an entry for this variant (Variation ID: 2162599). Invitae Evidence Modeling of protein sequence and biophysical properties (such as structural, functional, and spatial information, amino acid conservation, physicochemical variation, residue mobility, and thermodynamic stability) indicates that this missense variant is not expected to disrupt CTNNA3 protein function with a negative predictive value of 80%. In summary, the available evidence is currently insufficient to determine the role of this variant in disease. Therefore, it has been classified as a Variant of Uncertain Significance.